The following is an entry in ClinVar:

ClinVar aggregate classification (germline): Likely pathogenic (1 of 4 stars; one submission).

Conditions:
8q24.3 microdeletion syndrome. Also called: CHROMOSOME 8q24.3 DELETION SYNDROME; Verheij syndrome. Identifiers: Orphanet 508488, MedGen C3810023, MONDO:0014263, OMIM 615583.

Submission:

Women's Health and Genetics/Laboratory Corporation of America, LabCorp
Classification: Likely pathogenic for 8q24.3 microdeletion syndrome. Last evaluated: 2021-10-11. Review status: criteria provided, single submitter. Criteria: LabCorp Variant Classification Summary - May 2015. Collection method: clinical testing. Allele origin: germline.
Comment: Variant summary: PUF60 c.464delT (p.Ile155ThrfsX13) results in a premature termination codon, predicted to cause a truncation of the encoded protein or absence of the protein due to nonsense mediated decay, which are commonly known mechanisms for disease. Truncations downstream of this position have been cited in ClinVar and in HGMD as pathogenic and disease-associated. The variant was absent in 246486 control chromosomes (gnomAD). To our knowledge, no occurrence of c.464delT in individuals affected with Verheij Syndrome and no experimental evidence demonstrating its impact on protein function have been reported. No clinical diagnostic laboratories have submitted clinical-significance assessments for this variant to ClinVar after 2014. Based on the evidence outlined above, the variant was classified as likely pathogenic.

NM_078480.3(PUF60):c.464del (p.Ile155fs)

Gene: PUF60 (poly(U) binding splicing factor 60; minus strand). Cytogenetic location: 8q24.3.
Variant type: Deletion.
Coding change: c.464del on transcript NM_078480.3 (MANE Select); coding-DNA position 464, one base deleted (T; older notation c.464delT).
Protein change: p.Ile155fs; shifts the reading frame from isoleucine 155.
Molecular consequence: frameshift variant.
Genome position (GRCh38, 1-based): chr8:143,818,419, A deleted on the plus strand (T on the coding strand, the reverse complement: PUF60 is on the minus strand). VCF-style (leftmost placement, unchanged base first): chr8-143818418-GA-G. GRCh37 (hg19) VCF-style: chr8-144900588-GA-G.
Other names: c.335del, p.Ile112fs (NM_001136033.3); c.410del, p.Ile137fs (NM_001271096.2); c.326del, p.Ile109fs (NM_001271097.2); c.461del, p.Ile154fs (NM_001271098.2); c.377del, p.Ile126fs (NM_001271099.2); c.284del, p.Ile95fs (NM_001271100.2); c.575del, p.Ile192fs (NM_001362895.2, NM_001362896.2); c.524del, p.Ile175fs (NM_001362897.2); and 1 more; short protein forms I109fs, I112fs, I126fs, I137fs, I138fs, I154fs, I155fs, I175fs.
Identifiers: ClinVar variation 928649 (VCV000928649.2), dbSNP rs1816624373, ClinGen allele CA1139660816.